The following is an entry in ClinVar:

ClinVar aggregate classification (germline): Uncertain significance (1 of 4 stars; one submission).

Conditions:
Gastrointestinal stromal tumor. Also called: Gastrointestinal stromal tumor, somatic; Gastrointestinal stroma tumor. Identifiers: Orphanet 44890, MedGen C0238198, MeSH D046152, MONDO:0011719, OMIM 606764, HP:0100723.

Allele frequency attached by ClinVar (database versions not stated): gnomAD exomes below 0.00001.

Submission:

Labcorp Genetics (formerly Invitae), Labcorp
Classification: Uncertain significance for Gastrointestinal stromal tumor. Last evaluated: 2024-11-24. Review status: criteria provided, single submitter. Criteria: Invitae Variant Classification Sherloc (09022015). Collection method: clinical testing. Allele origin: germline.
Comment: This sequence change replaces histidine, which is basic and polar, with tyrosine, which is neutral and polar, at codon 310 of the PDGFRA protein (p.His310Tyr). This variant is not present in population databases (gnomAD no frequency). This variant has not been reported in the literature in individuals affected with PDGFRA-related conditions. ClinVar contains an entry for this variant (Variation ID: 1014775). Invitae Evidence Modeling of protein sequence and biophysical properties (such as structural, functional, and spatial information, amino acid conservation, physicochemical variation, residue mobility, and thermodynamic stability) indicates that this missense variant is not expected to disrupt PDGFRA protein function with a negative predictive value of 80%. In summary, the available evidence is currently insufficient to determine the role of this variant in disease. Therefore, it has been classified as a Variant of Uncertain Significance.

NM_006206.6(PDGFRA):c.928C>T (p.His310Tyr)

Gene: PDGFRA (platelet derived growth factor receptor alpha; plus strand). Cytogenetic location: 4q12.
Variant type: single nucleotide variant.
Coding change: c.928C>T on transcript NM_006206.6 (MANE Select); coding-DNA position 928, C replaced by T.
Protein change: p.His310Tyr; replaces histidine 310 with tyrosine.
Molecular consequence: missense variant.
Genome position (GRCh38, 1-based): chr4:54,267,457, C>T. VCF-style: chr4-54267457-C-T. GRCh37 (hg19) VCF-style: chr4-55133624-C-T.
Other names: c.928C>T, p.His310Tyr (NM_001347827.2, NM_001347829.2); c.1003C>T, p.His335Tyr (NM_001347828.2); c.967C>T, p.His323Tyr (NM_001347830.2); short protein forms H310Y, H323Y, H335Y.
Identifiers: ClinVar variation 1014775 (VCV001014775.9), dbSNP rs1723096921, ClinGen allele CA356891408.
Genomic context (GRCh38, chr4:54,267,457, plus strand): 5'-TGTGCTGCCCGCCAGGCTACCAGGGAGGTCAAAGAAATGAAGAAAGTCACTATTTCTGTC[C>T]ATGGTACATTCCGCTTTCTAAAATGTCAGTTGTCCATGCTGCTCGGGATCCATATGTGGT-3'
Protein context (NP_006197.1, residues 300-320): KEMKKVTISV[His310Tyr]EKGFIEIKPT